The following is an entry in ClinVar:

ClinVar aggregate classification (germline): Uncertain significance. Review status: criteria provided, multiple submitters, no conflicts (2 of 4 stars). 2 submissions from 2 submitters: Uncertain significance (2). Last evaluated 2025-12-08.

Conditions:
Periodic fever-infantile enterocolitis-autoinflammatory syndrome. Also called: Autoinflammation with infantile enterocolitis. Identifiers: Orphanet 436166, MedGen C4015067, MONDO:0014472, OMIM 616050.
Familial cold autoinflammatory syndrome 4 (FCAS4). Identifiers: Orphanet 47045, Orphanet 576349, MedGen C4015276, MONDO:0014498, OMIM 616115.
Inborn genetic diseases. Identifiers: MedGen C0950123, MeSH D030342.

Allele frequency attached by ClinVar (database versions not stated): gnomAD 0.00006; ExAC 0.00001; TOPMed 0.00005.
gnomAD v4.1: 23 of 1,614,112 alleles (0.0014%); highest among the groups gnomAD compares: African/African-American, 0.031%; no homozygotes.

Submissions (2):

Ambry Genetics
Classification: Uncertain significance for Inborn genetic diseases. Last evaluated: 2025-12-08. Review status: criteria provided, single submitter. Criteria: Ambry Variant Classification Scheme 2023. Collection method: clinical testing. Allele origin: germline.

Labcorp Genetics (formerly Invitae), Labcorp
Classification: Uncertain significance for Periodic fever-infantile enterocolitis-autoinflammatory syndrome; Familial cold autoinflammatory syndrome 4. Last evaluated: 2023-12-02. Review status: criteria provided, single submitter. Criteria: Invitae Variant Classification Sherloc (09022015). Collection method: clinical testing. Allele origin: germline.
Comment: This sequence change replaces glutamic acid, which is acidic and polar, with aspartic acid, which is acidic and polar, at codon 465 of the NLRC4 protein (p.Glu465Asp). This variant is present in population databases (rs759603462, gnomAD 0.008%). This variant has not been reported in the literature in individuals affected with NLRC4-related conditions. ClinVar contains an entry for this variant (Variation ID: 2166594). Advanced modeling of protein sequence and biophysical properties (such as structural, functional, and spatial information, amino acid conservation, physicochemical variation, residue mobility, and thermodynamic stability) performed at Invitae indicates that this missense variant is not expected to disrupt NLRC4 protein function with a negative predictive value of 80%. In summary, the available evidence is currently insufficient to determine the role of this variant in disease. Therefore, it has been classified as a Variant of Uncertain Significance.

NM_001199138.2(NLRC4):c.1395G>C (p.Glu465Asp)

Gene: NLRC4 (NLR family CARD domain containing 4; minus strand). Cytogenetic location: 2p22.3.
Variant type: single nucleotide variant.
Coding change: c.1395G>C on transcript NM_001199138.2 (MANE Select); coding-DNA position 1395, G replaced by C.
Protein change: p.Glu465Asp; replaces glutamic acid 465 with aspartic acid.
Molecular consequence: missense variant. On other transcripts: intron variant (1).
Genome position (GRCh38, 1-based): chr2:32,250,469, C>G on the plus strand (G>C on the coding strand, the complement: NLRC4 is on the minus strand). VCF-style: chr2-32250469-C-G. GRCh37 (hg19) VCF-style: chr2-32475538-C-G.
Other names: c.1395G>C, p.Glu465Asp (NM_001199139.2, NM_021209.5); c.262+1950G>C (NM_001302504.1); short protein forms E465D.
Identifiers: ClinVar variation 2166594 (VCV002166594.5), dbSNP rs759603462, ClinGen allele CA1602000.
Genomic context (GRCh38, chr2:32,250,469, plus strand): 5'-GGATGTAATGTCCGAAATGGAAACCATTTTCTGCAAGTAACCATTCCCCTTGGTCACCTC[C>G]TCTGGCTCATGAGACGTCAATAAACTGCTGAGTCTTCGTCCTGCTGTGTACTCCTGGAAT-3'
Protein context (NP_001186067.1, residues 455-475): LSSLLTSHEP[Glu465Asp]EVTKGNGYLQ